The following is an entry in ClinVar:

NM_000143.4(FH):c.217G>T (p.Val73Leu)

Gene: FH (fumarate hydratase; minus strand). Cytogenetic location: 1q43.
Variant type: single nucleotide variant.
Coding change: c.217G>T on transcript NM_000143.4 (MANE Select); coding-DNA position 217, G replaced by T.
Protein change: p.Val73Leu; replaces valine 73 with leucine.
Molecular consequence: missense variant.
Genome position (GRCh38, 1-based): chr1:241,517,232, C>A on the plus strand (G>T on the coding strand, the complement: FH is on the minus strand). VCF-style: chr1-241517232-C-A. GRCh37 (hg19) VCF-style: chr1-241680532-C-A.
Other names: short protein forms V73L.
Identifiers: ClinVar variation 4257356 (VCV004257356.1).

ClinVar aggregate classification (germline): Uncertain significance (1 of 4 stars; one submission).

Conditions:
Hereditary cancer-predisposing syndrome. Also called: Hereditary Cancer Syndrome; Hereditary neoplastic syndrome; Neoplastic Syndromes, Hereditary; Tumor predisposition. Identifiers: Orphanet 140162, MedGen C0027672, MeSH D009386, MONDO:0015356.

Submission:

Ambry Genetics
Classification: Uncertain significance for Hereditary cancer-predisposing syndrome. Last evaluated: 2025-09-05. Review status: criteria provided, single submitter. Criteria: Ambry Variant Classification Scheme 2023. Collection method: clinical testing. Allele origin: germline.
Comment: The p.V73L variant (also known as c.217G>T), located in coding exon 2 of the FH gene, results from a G to T substitution at nucleotide position 217. The valine at codon 73 is replaced by leucine, an amino acid with highly similar properties. This amino acid position is highly conserved in available vertebrate species. In addition, this alteration is predicted to be deleterious by in silico analysis. Based on the available evidence, the clinical significance of this variant remains unclear.